The following is an entry in ClinVar:

ClinVar aggregate classification (germline): Pathogenic. Review status: no assertion criteria provided (0 of 4 stars). 2 submissions from 2 submitters: Pathogenic (2). Last evaluated 2013-08-01.

Conditions:
Diamond-Blackfan anemia 8 (DBA8). Also called: RPS7-Related Diamond-Blackfan Anemia. Identifiers: Orphanet 124, MedGen C2675511, MONDO:0012939, OMIM 612563.

Submissions (2):

OMIM
Classification: Pathogenic for DIAMOND-BLACKFAN ANEMIA 8. Last evaluated: 2013-08-01. Review status: no assertion criteria provided. Collection method: literature only. Allele origin: germline.

GeneReviews
Classification: Pathogenic for Diamond-Blackfan Anemia. Last evaluated: 2009-06-25. Review status: no assertion criteria provided. Collection method: curation. Allele origin: unknown.
ClinVar note: Converted during submission from pathologic to Pathogenic.

Literature cited by the submitters: PubMed 19061985 (cited by OMIM); PubMed 23718193 (cited by OMIM).

NM_001011.4(RPS7):c.147+1G>A

Gene: RPS7 (ribosomal protein S7; plus strand). Cytogenetic location: 2p25.3.
Variant type: single nucleotide variant.
Coding change: c.147+1G>A on transcript NM_001011.4 (MANE Select); the canonical splice donor site of the intron after coding-DNA position 147, G replaced by A.
Molecular consequence: splice donor variant.
Genome position (GRCh38, 1-based): chr2:3,575,889, G>A. VCF-style: chr2-3575889-G-A. GRCh37 (hg19) VCF-style: chr2-3623479-G-A.
Other names: IVS3DS, G-A, +1.
Identifiers: ClinVar variation 6150 (VCV000006150.4), dbSNP rs397507554, ClinGen allele CA340528.